The following is an entry in ClinVar:

ClinVar aggregate classification (germline): Pathogenic (1 of 4 stars; one submission).

Submission:

Labcorp Genetics (formerly Invitae), Labcorp
Classification: Pathogenic. Last evaluated: 2024-11-25. Review status: criteria provided, single submitter. Criteria: Invitae Variant Classification Sherloc (09022015). Collection method: clinical testing. Allele origin: germline.
Comment: This sequence change creates a premature translational stop signal (p.Ser228Ilefs*2) in the WISP3 gene. It is expected to result in an absent or disrupted protein product. Loss-of-function variants in WISP3 are known to be pathogenic (PMID: 22791401). This variant is not present in population databases (gnomAD no frequency). This variant has not been reported in the literature in individuals affected with WISP3-related conditions. For these reasons, this variant has been classified as Pathogenic.

Literature cited by the submitters: PubMed 22791401.

NM_198239.2(CCN6):c.680dup (p.Ser228fs)

Gene: CCN6 (cellular communication network factor 6; plus strand). Cytogenetic location: 6q21.
Variant type: Duplication.
Coding change: c.680dup on transcript NM_198239.2 (MANE Select); coding-DNA position 680, one base duplicated (T; older notation c.680dupT).
Protein change: p.Ser228fs; shifts the reading frame from serine 228.
Molecular consequence: frameshift variant. On other transcripts: non-coding transcript variant (2).
Genome position (GRCh38, 1-based): chr6:112,068,295, T duplicated. VCF-style (leftmost placement, unchanged base first): chr6-112068294-A-AT. GRCh37 (hg19) VCF-style: chr6-112389497-A-AT.
Other names: c.680dup, p.Ser228fs (NM_003880.4); short protein forms S228fs.
Identifiers: ClinVar variation 3725411 (VCV003725411.2).